The following is an entry in ClinVar:

NM_000018.4(ACADVL):c.1827+9C>T

Gene: ACADVL (acyl-CoA dehydrogenase very long chain; plus strand). Cytogenetic location: 17p13.1.
Variant type: single nucleotide variant.
Coding change: c.1827+9C>T on transcript NM_000018.4 (MANE Select); 9 bases into the intron after coding-DNA position 1827, C replaced by T.
Molecular consequence: intron variant.
Genome position (GRCh38, 1-based): chr17:7,224,893, C>T. VCF-style: chr17-7224893-C-T. GRCh37 (hg19) VCF-style: chr17-7128212-C-T.
Other names: c.1896+9C>T (NM_001270447.2); c.1599+9C>T (NM_001270448.2); c.1761+9C>T (NM_001033859.3).
Identifiers: ClinVar variation 753044 (VCV000753044.10), dbSNP rs372630480, ClinGen allele CA8338278.

ClinVar aggregate classification (germline): Likely benign. Review status: criteria provided, multiple submitters, no conflicts (2 of 4 stars). 2 submissions from 2 submitters: Likely benign (2). Last evaluated 2026-08-05.

Conditions:
ACADVL-related disorder. Also called: ACADVL-related condition.
Very long chain acyl-CoA dehydrogenase deficiency (ACADVLD). Also called: VLCAD Deficiency; Very Long-Chain Acyl-Coenzyme A Dehydrogenase Deficiency. Identifiers: Orphanet 26793, MedGen C3887523, MONDO:0008723, OMIM 201475.

Allele frequency attached by ClinVar (database versions not stated): gnomAD 0.00001; TOPMed 0.00001; gnomAD exomes 0.00002 and 0.00004; ExAC 0.00003; ESP Exome Variant Server 0.00008; 1000 Genomes Project 30x 0.00016; 1000 Genomes Project 0.00020.
gnomAD v4.1: 28 of 1,614,022 alleles (0.0017%); highest among the groups gnomAD compares: South Asian, 0.013%; no homozygotes.

Submissions (2):

PreventionGenetics, part of Exact Sciences
Classification: Likely benign for ACADVL-related condition. Last evaluated: 2026-08-05. Review status: criteria provided, single submitter. Criteria: ACMG Guidelines, 2015. Collection method: clinical testing. Allele origin: germline.
Comment: This variant is classified as likely benign based on ACMG/AMP sequence variant interpretation guidelines (Richards et al. 2015 PMID: 25741868, with internal and published modifications).

Labcorp Genetics (formerly Invitae), Labcorp
Classification: Likely benign for Very long chain acyl-CoA dehydrogenase deficiency. Last evaluated: 2025-11-07. Review status: criteria provided, single submitter. Criteria: Invitae Variant Classification Sherloc (09022015). Collection method: clinical testing. Allele origin: germline.